The following is an entry in ClinVar:

ClinVar aggregate classification (germline): Uncertain significance. Review status: criteria provided, multiple submitters, no conflicts (2 of 4 stars). 4 submissions from 4 submitters: Uncertain significance (4). Last evaluated 2025-04-18.

Conditions:
Hereditary cancer-predisposing syndrome. Also called: Hereditary Cancer Syndrome; Neoplastic Syndromes, Hereditary; Tumor predisposition; Hereditary neoplastic syndrome. Identifiers: Orphanet 140162, MedGen C0027672, MeSH D009386, MONDO:0015356.
Breast-ovarian cancer, familial, susceptibility to, 4. Identifiers: Orphanet 145, MedGen C3280345, MONDO:0013669, OMIM 614291.

Allele frequency attached by ClinVar (database versions not stated): gnomAD exomes below 0.00001 and 0.00001; ExAC 0.00001; TOPMed 0.00001.
gnomAD v4.1: 8 of 1,613,126 alleles (0.0005%); highest among the groups gnomAD compares: African/African-American, 0.0027%; no homozygotes.

Submissions (4):

Labcorp Genetics (formerly Invitae), Labcorp
Classification: Uncertain significance for Breast-ovarian cancer, familial, susceptibility to, 4. Last evaluated: 2025-04-18. Review status: criteria provided, single submitter. Criteria: Invitae Variant Classification Sherloc (09022015). Collection method: clinical testing. Allele origin: germline.
Comment: This sequence change replaces arginine, which is basic and polar, with glutamine, which is neutral and polar, at codon 186 of the RAD51D protein (p.Arg186Gln). This variant is present in population databases (rs780491769, gnomAD 0.007%). This variant has not been reported in the literature in individuals affected with RAD51D-related conditions. ClinVar contains an entry for this variant (Variation ID: 480526). Invitae Evidence Modeling of protein sequence and biophysical properties (such as structural, functional, and spatial information, amino acid conservation, physicochemical variation, residue mobility, and thermodynamic stability) indicates that this missense variant is not expected to disrupt RAD51D protein function with a negative predictive value of 80%. In summary, the available evidence is currently insufficient to determine the role of this variant in disease. Therefore, it has been classified as a Variant of Uncertain Significance.

Ambry Genetics
Classification: Uncertain significance for Hereditary cancer-predisposing syndrome. Last evaluated: 2024-10-25. Review status: criteria provided, single submitter. Criteria: Ambry Variant Classification Scheme 2023. Collection method: clinical testing. Allele origin: germline.
Comment: The p.R186Q variant (also known as c.557G>A), located in coding exon 6 of the RAD51D gene, results from a G to A substitution at nucleotide position 557. The arginine at codon 186 is replaced by glutamine, an amino acid with highly similar properties. This amino acid position is highly conserved in available vertebrate species. In addition, the in silico prediction for this alteration is inconclusive. Since supporting evidence is limited at this time, the clinical significance of this alteration remains unclear.

Fulgent Genetics
Classification: Uncertain significance for Breast-ovarian cancer, familial, susceptibility to, 4. Last evaluated: 2024-05-31. Review status: criteria provided, single submitter. Criteria: ACMG Guidelines, 2015. Collection method: clinical testing. Allele origin: germline.

Color Diagnostics, LLC DBA Color Health
Classification: Uncertain significance for Hereditary cancer-predisposing syndrome. Last evaluated: 2019-04-03. Review status: criteria provided, single submitter. Criteria: ACMG Guidelines, 2015. Collection method: clinical testing. Allele origin: germline.

NM_002878.4(RAD51D):c.557G>A (p.Arg186Gln)

Genes: RAD51L3-RFFL (RAD51L3-RFFL readthrough; minus strand), RAD51D (RAD51 paralog D; minus strand). Cytogenetic location: 17q12.
Variant type: single nucleotide variant.
Coding change: c.557G>A on transcript NM_002878.4 (MANE Select); coding-DNA position 557, G replaced by A.
Protein change: p.Arg186Gln; replaces arginine 186 with glutamine.
Molecular consequence: missense variant. On other transcripts: non-coding transcript variant (3).
Genome position (GRCh38, 1-based): chr17:35,106,405, C>T on the plus strand (G>A on the coding strand, the complement: RAD51D is on the minus strand). VCF-style: chr17-35106405-C-T. GRCh37 (hg19) VCF-style: chr17-33433424-C-T.
Other names: c.617G>A, p.Arg206Gln (NM_001142571.2); c.221G>A, p.Arg74Gln (NM_133629.3); short protein forms R186Q, R206Q, R74Q.
Identifiers: ClinVar variation 480526 (VCV000480526.17), dbSNP rs780491769, ClinGen allele CA8499451.